The following is an entry in ClinVar:

NM_003632.3(CNTNAP1):c.*10G>C

Genes: CNTNAP1 (contactin associated protein 1; plus strand), LOC128669077 (EZH1 +46 kb erythroid enhancer; plus strand). Cytogenetic location: 17q21.2.
Variant type: single nucleotide variant.
Coding change: c.*10G>C on transcript NM_003632.3 (MANE Select); 10 bases downstream of the stop codon, G replaced by C.
Molecular consequence: 3 prime UTR variant.
Genome position (GRCh38, 1-based): chr17:42,698,920, G>C. VCF-style: chr17-42698920-G-C. GRCh37 (hg19) VCF-style: chr17-40850938-G-C.
Identifiers: ClinVar variation 4684218 (VCV004684218.1).

ClinVar aggregate classification (germline): Likely benign (1 of 4 stars; one submission).

Submission:

Mayo Clinic Laboratories, Mayo Clinic
Classification: Likely benign. Last evaluated: 2025-10-12. Review status: criteria provided, single submitter. Criteria: ACMG Guidelines, 2015. Collection method: clinical testing. Allele origin: germline. Observed: 1 variant allele.
Comment: BP4